The following is an entry in ClinVar:

ClinVar aggregate classification (germline): Conflicting classifications of pathogenicity. Review status: criteria provided, conflicting classifications (1 of 4 stars). 2 submissions from 2 submitters: Uncertain significance (1); Likely benign (1). Last evaluated 2026-07-01.

Conditions:
SLC26A2-related skeletal dysplasia. Identifiers: MedGen CN379209, MONDO:0100592.

Submissions (2):

CeGaT Center for Human Genetics Tuebingen
Classification: Likely benign. Last evaluated: 2026-07-01. Review status: criteria provided, single submitter. Criteria: CeGaT Center For Human Genetics Tuebingen Variant Classification Criteria Version 2. Collection method: clinical testing. Allele origin: germline. Affected: yes. Observed: 1 variant allele.
Comment: SLC26A2: BP4

Myriad Genetics, Inc.
Classification: Uncertain significance for SLC26A2-related skeletal dysplasia. Last evaluated: 2025-09-26. Review status: criteria provided, single submitter. Criteria: Myriad Autosomal Dominant, Autosomal Recessive and X-Linked Classification Criteria (2023). Collection method: clinical testing. Allele origin: unknown.
Comment: NM_000112.3(SLC26A2):c.2133T>G(S711R) is a missense variant classified as a variant of uncertain significance in the context of SLC26A2-related disorders. S711R has not been observed in cases with relevant disease. Relevant functional assessments of this variant are not available in the literature. S711R has been observed in referenced population frequency databases. In summary, there is insufficient evidence to classify NM_000112.3(SLC26A2):c.2133T>G(S711R) as pathogenic or benign. Please note: this variant was assessed in the context of healthy population screening.

NM_000112.4(SLC26A2):c.2133T>G (p.Ser711Arg)

Gene: SLC26A2 (solute carrier family 26 member 2; plus strand). Cytogenetic location: 5q32.
Variant type: single nucleotide variant.
Coding change: c.2133T>G on transcript NM_000112.4 (MANE Select); coding-DNA position 2133, T replaced by G.
Protein change: p.Ser711Arg; replaces serine 711 with arginine.
Molecular consequence: missense variant.
Genome position (GRCh38, 1-based): chr5:149,981,726, T>G. VCF-style: chr5-149981726-T-G. GRCh37 (hg19) VCF-style: chr5-149361289-T-G.
Other names: short protein forms S711R.
Identifiers: ClinVar variation 5003220 (VCV005003220.2).